The following is an entry in ClinVar:

NM_000404.4(GLB1):c.792+18G>A

Gene: GLB1 (galactosidase beta 1; minus strand). Cytogenetic location: 3p22.3.
Variant type: single nucleotide variant.
Coding change: c.792+18G>A on transcript NM_000404.4 (MANE Select); 18 bases into the intron after coding-DNA position 792, G replaced by A.
Molecular consequence: intron variant.
Genome position (GRCh38, 1-based): chr3:33,053,473, C>T on the plus strand (G>A on the coding strand, the complement: GLB1 is on the minus strand). VCF-style: chr3-33053473-C-T. GRCh37 (hg19) VCF-style: chr3-33094965-C-T.
Other names: p.?; c.399+18G>A (NM_001135602.3); c.936+18G>A (NM_001317040.2); c.702+18G>A (NM_001079811.3).
Identifiers: ClinVar variation 1166108 (VCV001166108.9), dbSNP rs202068250, ClinGen allele CA2299596.
Genomic context (GRCh38, chr3:33,053,473, plus strand): 5'-GCCTACTGCCCAGTTTCAGCAGCATGTAACTTTTCTCTCTTAACAGCTGCAAACACACAC[C>T]TCACCCTCGATTCTTACCAAGGGTCCTTTGGGCTCACACTTCCTCTGGCTTAGGAAAGCA-3'

ClinVar aggregate classification (germline): Benign/Likely benign. Review status: criteria provided, multiple submitters, no conflicts (2 of 4 stars). 3 submissions from 3 submitters: Benign (2); Likely benign (1). Last evaluated 2026-01-28.

Conditions:
GM1 gangliosidosis. Identifiers: Orphanet 354, MedGen C0085131, MONDO:0018149.
Mucopolysaccharidosis, MPS-IV-B (MPS4B). Also called: Mucopolysaccharidosis type 4B; MORQUIO SYNDROME B; Mucopolysaccharidosis Type IVB; Mucopolysaccharidosis Type IVB (Morquio B Disease); Mucopolysaccharidosis type IVB (Morquio); MPS IVB. Identifiers: Orphanet 309310, Orphanet 582, MedGen C0086652, MONDO:0009660, OMIM 253010.

Allele frequency attached by ClinVar (database versions not stated): 1000 Genomes Project 0.00220; 1000 Genomes Project 30x 0.00250; TOPMed 0.00471; ESP Exome Variant Server 0.00485.
gnomAD v4.1: 1,191 of 1,614,184 alleles (0.074%); highest among the groups gnomAD compares: African/African-American, 1.4%; 15 homozygotes.

Submissions (3):

Labcorp Genetics (formerly Invitae), Labcorp
Classification: Benign for Mucopolysaccharidosis, MPS-IV-B; GM1 gangliosidosis. Last evaluated: 2026-01-28. Review status: criteria provided, single submitter. Criteria: Invitae Variant Classification Sherloc (09022015). Collection method: clinical testing. Allele origin: germline.

Blueprint Genetics
Classification: Likely benign. Last evaluated: 2024-11-05. Review status: criteria provided, single submitter. Criteria: ACMG Guidelines, 2015. Collection method: clinical testing. Allele origin: germline.

Mayo Clinic Laboratories, Mayo Clinic
Classification: Benign. Last evaluated: 2023-04-19. Review status: criteria provided, single submitter. Criteria: ACMG Guidelines, 2015. Collection method: clinical testing. Allele origin: germline. Observed: 4 variant alleles.
Comment: BA1, BS2, BP4, BP7